The following is an entry in ClinVar:

NM_001358235.2(DCHS2):c.4177-9G>A

Gene: DCHS2 (dachsous cadherin-related 2; minus strand). Cytogenetic location: 4q31.3.
Variant type: single nucleotide variant.
Coding change: c.4177-9G>A on transcript NM_001358235.2 (MANE Select); 9 bases into the intron before coding-DNA position 4177, G replaced by A.
Molecular consequence: intron variant.
Genome position (GRCh38, 1-based): chr4:154,321,231, C>T on the plus strand (G>A on the coding strand, the complement: DCHS2 is on the minus strand). VCF-style: chr4-154321231-C-T. GRCh37 (hg19) VCF-style: chr4-155242383-C-T.
Identifiers: ClinVar variation 3059335 (VCV003059335.2), dbSNP rs62331873, ClinGen allele CA3112900.

ClinVar aggregate classification (germline): Benign (0 of 4 stars; one submission).

Conditions:
DCHS2-related disorder. Also called: DCHS2-related condition.

Allele frequency attached by ClinVar (database versions not stated): ESP Exome Variant Server 0.24245; TOPMed 0.24541; 1000 Genomes Project 30x 0.25562; 1000 Genomes Project 0.26158; gnomAD 0.26717; ExAC 0.32111.
gnomAD v4.1: 476,640 of 1,469,356 alleles (32%); highest among the groups gnomAD compares: East Asian, 39%; 80,393 homozygotes.

Submission:

PreventionGenetics, part of Exact Sciences
Classification: Benign for DCHS2-related condition. Last evaluated: 2019-10-21. Review status: no assertion criteria provided. Collection method: clinical testing. Allele origin: germline.
Comment: This variant is classified as benign based on ACMG/AMP sequence variant interpretation guidelines (Richards et al. 2015 PMID: 25741868, with internal and published modifications).